The following is an entry in ClinVar:

ClinVar aggregate classification (germline): Uncertain significance. Review status: criteria provided, multiple submitters, no conflicts (2 of 4 stars). 3 submissions from 3 submitters: Uncertain significance (3). Last evaluated 2024-11-12.

Conditions:
Chédiak-Higashi syndrome (CHS). Also called: Chediak-Higashi Syndrome. Identifiers: Orphanet 167, MedGen C0007965, MONDO:0008963, OMIM 214500.

Submissions (3):

Labcorp Genetics (formerly Invitae), Labcorp
Classification: Uncertain significance for Chédiak-Higashi syndrome. Last evaluated: 2024-11-12. Review status: criteria provided, single submitter. Criteria: Invitae Variant Classification Sherloc (09022015). Collection method: clinical testing. Allele origin: germline.
Comment: This variant, c.3656_3658del, results in the deletion of 1 amino acid(s) of the LYST protein (p.Glu1219del), but otherwise preserves the integrity of the reading frame. This variant is present in population databases (rs770679237, gnomAD 0.02%). This variant has not been reported in the literature in individuals affected with LYST-related conditions. ClinVar contains an entry for this variant (Variation ID: 1039722). Experimental studies and prediction algorithms are not available or were not evaluated, and the functional significance of this variant is currently unknown. In summary, the available evidence is currently insufficient to determine the role of this variant in disease. Therefore, it has been classified as a Variant of Uncertain Significance.

GeneDx
Classification: Uncertain significance. Last evaluated: 2022-11-10. Review status: criteria provided, single submitter. Criteria: GeneDx Variant Classification Process June 2021. Collection method: clinical testing. Allele origin: germline. Affected: yes.
Comment: In-frame deletion of 1 amino acid in a non-repeat region; In silico analysis supports a deleterious effect on protein structure/function; Has not been previously published as pathogenic or benign to our knowledge

Revvity Omics, Revvity
Classification: Uncertain significance for Chédiak-Higashi syndrome. Last evaluated: 2019-06-07. Review status: criteria provided, single submitter. Criteria: ACMG Guidelines, 2015. Collection method: clinical testing. Allele origin: germline.

NM_000081.4(LYST):c.3650AAG[2] (p.Glu1219del)

Gene: LYST (lysosomal trafficking regulator; minus strand). Cytogenetic location: 1q42.3.
Variant type: Microsatellite.
Coding change: c.3650AAG[2] on transcript NM_000081.4 (MANE Select); two copies in a row of the 3-base unit AAG starting at c.3650; the reference has three copies in a row; one copy, 3 bases deleted; also written c.3656_3658del.
Protein change: p.Glu1219del; deletes glutamic acid 1219.
Molecular consequence: inframe deletion.
Genome position (GRCh38, 1-based): chr1:235,802,962-235,802,964, CTT deleted on the plus strand (AAG on the coding strand, the reverse complement: LYST is on the minus strand); deleting any 3 consecutive bases within chr1:235,802,962-235,802,971 gives the same sequence; the position shown is the placement nearest the transcript's 3' end. VCF-style (leftmost placement, unchanged base first): chr1-235802961-CCTT-C. GRCh37 (hg19) VCF-style: chr1-235966261-CCTT-C.
Other names: c.3650AAG[2], p.Glu1219del (NM_001301365.1); c.3656_3658del (NM_000081.3); short protein forms E1219del.
Identifiers: ClinVar variation 1039722 (VCV001039722.8), dbSNP rs770679237, ClinGen allele CA1467023.
Genomic context (GRCh38, chr1:235,802,961, plus strand): 5'-ATTTTACCATCATCCTGGGTTTCGCCATCTTCAGGATTGCTTTCACTATCTGCTTCGTAA[CCTT>C]CTTCTTCAACTAAAAGTTTAAAACTACAACACTGAGAATCCTCAGCTTCTTCTGAAAAAT-3'